The following is an entry in ClinVar:

NM_005476.7(GNE):c.527A>T (p.Asp176Val)

Gene: GNE (glucosamine (UDP-N-acetyl)-2-epimerase/N-acetylmannosamine kinase; minus strand). Cytogenetic location: 9p13.3.
Variant type: single nucleotide variant.
Coding change: c.527A>T on transcript NM_005476.7 (MANE Select); coding-DNA position 527, A replaced by T.
Protein change: p.Asp176Val; replaces aspartic acid 176 with valine.
Molecular consequence: missense variant.
Genome position (GRCh38, 1-based): chr9:36,246,120, T>A on the plus strand (A>T on the coding strand, the complement: GNE is on the minus strand). VCF-style: chr9-36246120-T-A. GRCh37 (hg19) VCF-style: chr9-36246117-T-A.
Other names: c.620A>T, p.Asp207Val (NM_001128227.3); c.527A>T, p.Asp176Val (NM_001190383.3, NM_001374797.1); c.350A>T, p.Asp117Val (NM_001190384.3, NM_001190388.2, NM_001374798.1); short protein forms D207V, D176V, D117V.
Identifiers: ClinVar variation 41233 (VCV000041233.36), dbSNP rs139425890, ClinGen allele CA344238.

ClinVar aggregate classification (germline): Pathogenic/Likely pathogenic. Review status: criteria provided, multiple submitters, no conflicts (2 of 4 stars). 14 submissions from 14 submitters: Pathogenic (11); Likely pathogenic (1). 2 of the submissions do not count toward it. Last evaluated 2026-01-12.

Conditions:
Thrombocytopenia 12 with or without myopathy (THC12). Identifiers: MedGen C5935593, MONDO:0958325, OMIM 620757.
GNE myopathy (NM). Also called: MYOPATHY, DISTAL, WITH OR WITHOUT RIMMED VACUOLES; IBM 2; Inclusion body myopathy autosomal recessive; Inclusion body myopathy quadriceps sparing; INCLUSION BODY MYOPATHY, HEREDITARY, AUTOSOMAL RECESSIVE; INCLUSION BODY MYOPATHY 2, AUTOSOMAL RECESSIVE. Identifiers: Orphanet 602, MedGen C1853926, MONDO:0011603, OMIM 605820.
Sialuria. Also called: Sialic Acid Storage Disease; SIALURIA, FRENCH TYPE. Identifiers: Orphanet 3166, MedGen C0342853, MONDO:0010028, OMIM 269921.
GNE-related disorder. Also called: GNE-related condition.

Allele frequency attached by ClinVar (database versions not stated): ExAC 0.00004; gnomAD exomes 0.00005; gnomAD 0.00004 and 0.00003; 1000 Genomes Project 30x 0.00031; 1000 Genomes Project 0.00040; TOPMed 0.00008.
gnomAD v4.1: 79 of 1,614,228 alleles (0.0049%); highest among the groups gnomAD compares: East Asian, 0.16%; no homozygotes.

Submissions (14):

Natera, Inc.
Classification: Pathogenic for Nonaka myopathy. Last evaluated: 2026-01-12. Review status: criteria provided, single submitter. Criteria: Natera Variant Classification Schema (03/2026). Collection method: clinical testing. Allele origin: germline.
Comment: The c.620A>T variant in GNE is a missense variant predicted to cause substitution of aspartic acid to valine at amino acid 207. This variant is rare in the general population with a frequency below the threshold expected for the associated phenotype(s). This variant has been observed in one or more individuals affected with the associated recessive disease, as either homozygous or compound heterozygous with a second variant (PMID: 35138478). Given the available evidence, this variant is classified as Pathogenic.

Labcorp Genetics (formerly Invitae), Labcorp
Classification: Pathogenic for Sialuria; GNE myopathy. Last evaluated: 2025-12-21. Review status: criteria provided, single submitter. Criteria: Invitae Variant Classification Sherloc (09022015). Collection method: clinical testing. Allele origin: germline.
Comment: This sequence change replaces aspartic acid, which is acidic and polar, with valine, which is neutral and non-polar, at codon 207 of the GNE protein (p.Asp207Val). This variant is present in population databases (rs139425890, gnomAD 0.06%). This missense change has been observed in individuals with autosomal recessive distal myopathy (PMID: 12473753, 14707127, 18383535, 26161358, 28403181, 29307446). ClinVar contains an entry for this variant (Variation ID: 41233). Invitae Evidence Modeling of protein sequence and biophysical properties (such as structural, functional, and spatial information, amino acid conservation, physicochemical variation, residue mobility, and thermodynamic stability) has been performed for this missense variant. However, the output from this modeling did not meet the statistical confidence thresholds required to predict the impact of this variant on GNE protein function. Experimental studies have shown that this missense change affects GNE function (PMID: 14707127, 20030229, 24474513, 28895049). For these reasons, this variant has been classified as Pathogenic.

Medical and Scientific Branch, Hong Kong Genome Institute
Classification: Pathogenic for GNE myopathy. Last evaluated: 2025-10-11. Review status: criteria provided, single submitter. Criteria: ACMG Guidelines, 2015. Collection method: clinical testing. Allele origin: germline. Affected: yes.

Revvity Omics, Revvity
Classification: Pathogenic. Last evaluated: 2025-04-13. Review status: criteria provided, single submitter. Criteria: ACMG Guidelines, 2015. Collection method: clinical testing. Allele origin: germline.

Fulgent Genetics
Classification: Pathogenic for Sialuria; GNE myopathy; Thrombocytopenia 12 with or without myopathy. Last evaluated: 2024-04-24. Review status: criteria provided, single submitter. Criteria: ACMG Guidelines, 2015. Collection method: clinical testing. Allele origin: germline.

Baylor Genetics
Classification: Pathogenic for GNE myopathy. Last evaluated: 2024-03-27. Review status: criteria provided, single submitter. Criteria: ACMG Guidelines, 2015. Collection method: clinical testing. Allele origin: unknown.

Women's Health and Genetics/Laboratory Corporation of America, LabCorp
Classification: Pathogenic for GNE myopathy. Last evaluated: 2021-10-04. Review status: criteria provided, single submitter. Criteria: LabCorp Variant Classification Summary - May 2015. Collection method: clinical testing. Allele origin: germline.
Comment: Variant summary: GNE c.620A>T (p.Asp207Val) results in a non-conservative amino acid change located in the UDP-N-acetylglucosamine 2-epimerase domain (IPR003331) of the encoded protein sequence. Three of five in-silico tools predict a damaging effect of the variant on protein function. The variant allele was found at a frequency of 5.2e-05 in 251312 control chromosomes. This frequency is not significantly higher than expected for a pathogenic variant in GNE causing Inclusion Body Myopathy 2 (5.2e-05 vs 0.0011), allowing no conclusion about variant significance. c.620A>T has been widely reported in the literature in multiple individuals affected with features of Inclusion Body Myopathy 2 (example,Nishino_2002, Noguchi_2004, Ishihara_2008, Choi_2015, Chanana_2017, Miao_2020). These data indicate that the variant is very likely to be associated with disease. At least one publication reports experimental evidence evaluating an impact on protein function (example, Nishino_2002). The most pronounced variant effect results in <10% of normal UDP-N acetylglucosamine 2-epimerase enzyme activity in leukocytes from homozygous as well as compound heterozygous patients with Distal myopathy with rimmed vacuoles (DMRV). Seven clinical diagnostic laboratories have submitted clinical-significance assessments for this variant to ClinVar after 2014 without evidence for independent evaluation. All laboratories classified the variant as pathogenic (n=6)/likely pathogenic (n=1). Based on the evidence outlined above, the variant was classified as pathogenic.

Myriad Genetics, Inc.
Classification: Pathogenic for GNE myopathy. Last evaluated: 2019-12-24. Review status: criteria provided, single submitter. Criteria: Myriad Women's Health Autosomal Recessive and X-Linked Classification Criteria (2019). Collection method: clinical testing. Allele origin: unknown.
Comment: NM_001128227.2(GNE):c.620A>T(D207V, aka D176V) is classified as pathogenic in the context of GNE myopathy. Sources cited for classification include the following: PMID 17704511, 14707127 and 24027297. Classification of NM_001128227.2(GNE):c.620A>T(D207V, aka D176V) is based on the following criteria: This is a well-established pathogenic variant in the literature that has been observed more frequently in patients with clinical diagnoses than in healthy populations. Please note: this variant was assessed in the context of healthy population screening.

Illumina Laboratory Services, Illumina
Classification: Pathogenic for GNE myopathy. Last evaluated: 2017-04-27. Review status: criteria provided, single submitter. Criteria: ICSL Variant Classification Criteria 09 May 2019. Collection method: clinical testing. Allele origin: germline.
Comment: The GNE c.527A>T (p.Asp176Val) variant is a well-described pathogenic variant (Mori-Yoshimura et al. 2014; Zhao et al. 2015). In the Japanese nationwide patient registry, which includes 121 patients with GNE-related myopathy, the p.Asp176Val variant is found in a homozygous state in one individual, in a compound heterozygous state with the common p.Val572Leu variant in 24 individuals, in a compound heterozygous state with different variants in 29 individuals, and in a heterozygous state in three individuals (Mori-Yoshimura et al. 2014). The p.Asp176Val variant was detected in a heterozygous state in one of 520 control individuals and is reported at a frequency of 0.00046 in the East Asian population of the Exome Aggregation Consortium. Although the p.Asp176Val variant has been identified at a high frequency of individuals with GNE-related myopathy, the variability in clinical presentation is suggestive of a milder phenotype and potentially reduced penetrance. Based on the collective evidence, the p.Asp176Val variant is classified as pathogenic for GNE-related myopathy. This variant was observed by ICSL as part of a predisposition screen in an ostensibly healthy population.

Eurofins Ntd Llc (ga)
Classification: Pathogenic. Last evaluated: 2016-11-16. Review status: criteria provided, single submitter. Criteria: EGL Classification Definitions 2015. Collection method: clinical testing. Allele origin: germline. Observed: 3 variant alleles, 3 heterozygotes.

Soonchunhyang University Bucheon Hospital, Soonchunhyang University Medical Center
Classification: Likely pathogenic for GNE myopathy. Last evaluated: 2016-03-18. Review status: criteria provided, single submitter. Criteria: ACMG Guidelines, 2015. Collection method: reference population. Allele origin: germline. Observed: 1 variant allele.

Juno Genomics, Hangzhou Juno Genomics, Inc
Classification: Pathogenic for Thrombocytopenia 12 with or without myopathy; GNE myopathy; Sialuria. Review status: criteria provided, single submitter. Criteria: ACMG Guidelines, 2015. Collection method: clinical testing. Allele origin: germline.
Comment: Multiple lines of computational evidence support a deleterious effect on the gene or gene product.;Missense variant in a gene that has a low rate of benign missense variation.;For recessive disorders, detected in trans with a pathogenic variant.;Patient's phenotype or family history is highly specific for a disease with a single genetic etiology.

PreventionGenetics, part of Exact Sciences
Classification: Pathogenic for GNE-related condition. Last evaluated: 2024-08-23. Review status: no assertion criteria provided. Collection method: clinical testing. Allele origin: germline. Not counted in ClinVar's aggregate classification.
Comment: The GNE c.620A>T variant is predicted to result in the amino acid substitution p.Asp207Val. This variant, alternatively referred to as p.Asp176Val, has been reported in the homozygous and compound heterozygous states in multiple individuals with hereditary inclusion body myopathy (see for example, Nishino et al. 2002. PubMed ID: 12473753; Ishihara et al. 2008. PubMed ID: 18383535; Mori-Yoshimura et al. 2012. PubMed ID: 22507750). This variant is reported in 0.060% of alleles in individuals of East Asian descent in gnomAD. In vitro and in vivo experimental studies suggest this variant affects UDP-GlcNAc 2-epimerase activity and recapitulates hereditary inclusion body myopathy using a mouse model (Noguchi et al. 2004. PubMed ID: 14707127; Mori-Yoshimura et al. 2012. PubMed ID: 22507750). This variant is interpreted as pathogenic.

GeneReviews
No classification provided. Condition: GNE myopathy. Review status: no classification provided. Collection method: literature only. Allele origin: germline. Not counted in ClinVar's aggregate classification.

Literature cited by the submitters: PubMed 35138478 (cited by Natera, Inc.); PubMed 12473753 (cited by 4 submitters); PubMed 14707127 (cited by 4 submitters); PubMed 18383535 (cited by Labcorp Genetics (formerly Invitae), Labcorp and Women's Health and Genetics/Laboratory Corporation of America, LabCorp); PubMed 26161358 (cited by 3 submitters); PubMed 28403181 (cited by Labcorp Genetics (formerly Invitae), Labcorp); PubMed 29307446 (cited by Labcorp Genetics (formerly Invitae), Labcorp); PubMed 20030229 (cited by Labcorp Genetics (formerly Invitae), Labcorp); PubMed 24474513 (cited by Labcorp Genetics (formerly Invitae), Labcorp); PubMed 28895049 (cited by Labcorp Genetics (formerly Invitae), Labcorp and Women's Health and Genetics/Laboratory Corporation of America, LabCorp); PubMed 33031330 (cited by Women's Health and Genetics/Laboratory Corporation of America, LabCorp); PubMed 17704511 (cited by Myriad Genetics, Inc. and Illumina Laboratory Services, Illumina); PubMed 24027297 (cited by 3 submitters); PubMed 25986339 (cited by Illumina Laboratory Services, Illumina); PubMed 25303967 (cited by Illumina Laboratory Services, Illumina); PubMed 22196754 (cited by Illumina Laboratory Services, Illumina); PubMed 15136692 (cited by Eurofins Ntd Llc (ga)); PubMed 19917666 (cited by Soonchunhyang University Bucheon Hospital, Soonchunhyang University Medical Center); PubMed 30390020 (cited by GeneReviews); PubMed 11528398 (cited by GeneReviews); PubMed 15146476 (cited by GeneReviews); PubMed 24796702 (cited by GeneReviews); PubMed 24695763 (cited by GeneReviews); PubMed 27858732 (cited by GeneReviews); PubMed 29480215 (cited by GeneReviews); PubMed 20301439 (cited by GeneReviews).